The following is an entry in ClinVar:

NM_006642.5(SDCCAG8):c.1409A>G (p.Glu470Gly)

Gene: SDCCAG8 (SHH signaling and ciliogenesis regulator SDCCAG8; plus strand). Cytogenetic location: 1q43.
Variant type: single nucleotide variant.
Coding change: c.1409A>G on transcript NM_006642.5 (MANE Select); coding-DNA position 1409, A replaced by G.
Protein change: p.Glu470Gly; replaces glutamic acid 470 with glycine.
Molecular consequence: missense variant.
Genome position (GRCh38, 1-based): chr1:243,344,267, A>G. VCF-style: chr1-243344267-A-G. GRCh37 (hg19) VCF-style: chr1-243507569-A-G.
Other names: c.506A>G, p.Glu169Gly (NM_001350246.2, NM_001350247.2, NM_001350251.2); c.1505A>G, p.Glu502Gly (NM_001350248.2); c.1115A>G, p.Glu372Gly (NM_001350249.2); short protein forms E470G, E372G, E502G, E169G.
Identifiers: ClinVar variation 167664 (VCV000167664.23), dbSNP rs118064970, ClinGen allele CA234901.

ClinVar aggregate classification (germline): Conflicting classifications of pathogenicity. Review status: criteria provided, conflicting classifications (1 of 4 stars). 6 submissions from 5 submitters: Uncertain significance (1); Likely benign (4). 1 of the submissions does not count toward it. Last evaluated 2026-01-28.

Conditions:
SDCCAG8-related disorder. Also called: SDCCAG8-related condition; SDCCAG8-Related Disorders.
Bardet-Biedl syndrome 16 (BBS16). Identifiers: Orphanet 110, MedGen C3889474, MONDO:0014444, OMIM 615993.
Senior-Loken syndrome 7 (SLSN7). Identifiers: Orphanet 3156, MedGen C3150877, MONDO:0013326, OMIM 613615.

Allele frequency attached by ClinVar (database versions not stated): ESP Exome Variant Server 0.00031; gnomAD 0.00062 and 0.00068; TOPMed 0.00076; gnomAD exomes 0.00079 and 0.00017; 1000 Genomes Project 0.00100; ExAC 0.00071; 1000 Genomes Project 30x 0.00094.
gnomAD v4.1: 510 of 1,614,052 alleles (0.032%); highest among the groups gnomAD compares: East Asian, 0.6%; 6 homozygotes.

Submissions (6):

Labcorp Genetics (formerly Invitae), Labcorp
Classification: Likely benign for Bardet-Biedl syndrome 16; Senior-Loken syndrome 7. Last evaluated: 2026-01-28. Review status: criteria provided, single submitter. Criteria: Invitae Variant Classification Sherloc (09022015). Collection method: clinical testing. Allele origin: germline.

Blueprint Genetics
Classification: Likely benign. Last evaluated: 2024-11-25. Review status: criteria provided, single submitter. Criteria: ACMG Guidelines, 2015. Collection method: clinical testing. Allele origin: germline.

Illumina Laboratory Services, Illumina
Classification: Likely benign for Bardet-Biedl syndrome 16. Last evaluated: 2018-01-13. Review status: criteria provided, single submitter. Criteria: ICSL Variant Classification Criteria 13 December 2019. Collection method: clinical testing. Allele origin: germline.
Comment: This variant was observed in the ICSL laboratory as part of a predisposition screen in an ostensibly healthy population. It had not been previously curated by ICSL or reported in the Human Gene Mutation Database (HGMD: prior to June 1st, 2018), and was therefore a candidate for classification through an automated scoring system. Utilizing variant allele frequency, disease prevalence and penetrance estimates, and inheritance mode, an automated score was calculated to assess if this variant is too frequent to cause the disease. Based on the score and internal cut-off values, a variant classified as likely benign is not then subjected to further curation. The score for this variant resulted in a classification of likely benign for this disease.

Illumina Laboratory Services, Illumina
Classification: Likely benign for Senior-Loken syndrome 7. Last evaluated: 2018-01-13. Review status: criteria provided, single submitter. Criteria: ICSL Variant Classification Criteria 13 December 2019. Collection method: clinical testing. Allele origin: germline.
Comment: the same text as in the submission from Illumina Laboratory Services, Illumina above.

Eurofins Ntd Llc (ga)
Classification: Uncertain significance. Last evaluated: 2014-01-20. Review status: criteria provided, single submitter. Criteria: EGL Classification Definitions 2015. Collection method: clinical testing. Allele origin: germline. Observed: 2 variant alleles, 2 heterozygotes.

PreventionGenetics, part of Exact Sciences
Classification: Benign for SDCCAG8-related condition. Last evaluated: 2020-06-01. Review status: no assertion criteria provided. Collection method: clinical testing. Allele origin: germline. Not counted in ClinVar's aggregate classification.
Comment: This variant is classified as benign based on ACMG/AMP sequence variant interpretation guidelines (Richards et al. 2015 PMID: 25741868, with internal and published modifications).